The following is an entry in ClinVar:

NM_003366.4(UQCRC2):c.697_705del (p.Val233_Glu235del)

Genes: PDZD9 (PDZ domain containing 9), UQCRC2 (ubiquinol-cytochrome c reductase core protein 2). Cytogenetic location: 16p12.2.
Variant type: Deletion.
Coding change: c.697_705del on transcript NM_003366.4 (MANE Select); coding-DNA positions 697 to 705, 9 bases deleted.
Protein change: p.Val233_Glu235del.
Molecular consequence: inframe deletion.
Genome position: GRCh38 VCF-style: chr16-21971548-CAAGTTGCTG-C. GRCh37 (hg19) VCF-style: chr16-21982869-CAAGTTGCTG-C.
Identifiers: ClinVar variation 4071559 (VCV004071559.2).

ClinVar aggregate classification (germline): Uncertain significance (1 of 4 stars; one submission).

Submission:

GeneDx
Classification: Uncertain significance. Last evaluated: 2026-04-29. Review status: criteria provided, single submitter. Criteria: GeneDx Variant Classification Process June 2021. Collection method: clinical testing. Allele origin: germline.
Comment: In-frame deletion of 3 amino acids in a non-repeat region; In silico analysis supports a deleterious effect on protein structure/function; Has not been previously published as pathogenic or benign to our knowledge